The following is an entry in ClinVar:

NM_018947.6(CYCS):c.170-3T>C

Gene: CYCS (cytochrome c, somatic; minus strand). Cytogenetic location: 7p15.3.
Variant type: single nucleotide variant.
Coding change: c.170-3T>C on transcript NM_018947.6 (MANE Select); 3 bases into the intron before coding-DNA position 170, T replaced by C.
Molecular consequence: intron variant.
Genome position (GRCh38, 1-based): chr7:25,123,852, A>G on the plus strand (T>C on the coding strand, the complement: CYCS is on the minus strand). VCF-style: chr7-25123852-A-G. GRCh37 (hg19) VCF-style: chr7-25163471-A-G.
Identifiers: ClinVar variation 1032049 (VCV001032049.2), dbSNP rs772641170, ClinGen allele CA4192817.

ClinVar aggregate classification (germline): Conflicting classifications of pathogenicity. Review status: criteria provided, conflicting classifications (1 of 4 stars). 2 submissions from 2 submitters: Uncertain significance (1); Likely benign (1). Last evaluated 2022-07-18.

Conditions:
Thrombocytopenia 4 (THC4). Also called: THROMBOCYTOPENIA, AUTOSOMAL DOMINANT, 4. Identifiers: Orphanet 268322, MedGen C2677608, MONDO:0012775, OMIM 612004.

Allele frequency attached by ClinVar (database versions not stated): gnomAD 0.00001; gnomAD exomes 0.00001; TOPMed 0.00001; ExAC 0.00002.

Submissions (2):

Blueprint Genetics
Classification: Likely benign. Last evaluated: 2022-07-18. Review status: criteria provided, single submitter. Criteria: ACMG Guidelines, 2015. Collection method: clinical testing. Allele origin: germline.

Baylor Genetics
Classification: Uncertain significance for Thrombocytopenia 4. Last evaluated: 2018-09-28. Review status: criteria provided, single submitter. Criteria: ACMG Guidelines, 2015. Collection method: clinical testing. Allele origin: unknown. Affected: yes.
Comment: This variant was determined to be of uncertain significance according to ACMG Guidelines, 2015 [PMID:25741868].